The following is an entry in ClinVar:

ClinVar aggregate classification (germline): Uncertain significance (1 of 4 stars; one submission).

Allele frequency attached by ClinVar (database versions not stated): TOPMed 0.00002; ExAC 0.00005.
gnomAD v4.1: 29 of 1,609,118 alleles (0.0018%); highest among the groups gnomAD compares: Non-Finnish European, 0.0024%; no homozygotes.

Submission:

Centre for Mendelian Genomics, University Medical Centre Ljubljana
Classification: Uncertain significance. Last evaluated: 2019-05-07. Review status: criteria provided, single submitter. Criteria: ACMG Guidelines, 2015. Collection method: clinical testing. Allele origin: unknown. Affected: yes.
Comment: This variant was classified as: Uncertain significance. The available evidence on this variant's pathogenicity is insufficient or conflicting. The following ACMG criteria were applied in classifying this variant: PP3.

NM_001036.6(RYR3):c.393C>A (p.Asp131Glu)

Gene: RYR3 (ryanodine receptor 3; plus strand). Cytogenetic location: 15q14.
Variant type: single nucleotide variant.
Coding change: c.393C>A on transcript NM_001036.6 (MANE Select); coding-DNA position 393, C replaced by A.
Protein change: p.Asp131Glu; replaces aspartic acid 131 with glutamic acid.
Molecular consequence: missense variant.
Genome position (GRCh38, 1-based): chr15:33,533,349, C>A. VCF-style: chr15-33533349-C-A. GRCh37 (hg19) VCF-style: chr15-33825550-C-A.
Other names: c.393C>A, p.Asp131Glu (NM_001243996.4); short protein forms D131E.
Identifiers: ClinVar variation 931069 (VCV000931069.3), dbSNP rs183923528, ClinGen allele CA7457807.